The following is an entry in ClinVar:

ClinVar aggregate classification (germline): Pathogenic (1 of 4 stars; one submission).

Conditions:
Waardenburg syndrome type 1 (WS1). Also called: WAARDENBURG SYNDROME WITH DYSTOPIA CANTHORUM; Waardenburg Syndrome Type I. Identifiers: Orphanet 894, MedGen C1847800, MONDO:0008670, OMIM 193500.

Submission:

Department of Otolaryngology-Head and Neck Surgery, Shanghai Jiao Tong University Affiliated Sixth People’s Hospital
Classification: Pathogenic for Waardenburg syndrome type 1. Last evaluated: 2026-01-10. Review status: criteria provided, single submitter. Criteria: ACMG Guidelines, 2015. Collection method: provider interpretation. Allele origin: germline, unknown. Inheritance: Autosomal dominant inheritance. Affected: yes. Observed: 2 variant alleles, 2 heterozygotes. Clinical features observed: Sensorineural hearing loss disorder (HP:0000407), Heterochromia iridis (HP:0001100), White forelock (HP:0002211).
Comment: The evidence supporting the pathogenicity of this variant is as follows: (1) PM1: The variant is located in a critical functional domain of the gene. The paired domain of the PAX3 gene is its core functional domain. The c.812G>C (p.Arg271Pro) substitution changes arginine 271 to proline, a key amino acid involved in DNA binding, which is expected to severely impact protein function. Numerous pathogenic variants have been reported to cluster in this region. (2) PM2: The variant is absent from population databases of healthy individuals (gnomAD, WBCC, etc.). (3) PM5_Strong: The PAX3:c.812G>C variant is a missense mutation resulting in the substitution of arginine by proline at position 271 of the encoded peptide chain (p.Arg271Pro). Other variants altering the same amino acid residue (p.Arg271His, p.Arg271Cys) have been established as pathogenic. (4) PP1: The variant co-segregates with the disease within the family. This strongly supports co-segregation of the variant with the disease phenotype in the family. (5) PP3: Multiple in silico prediction tools indicate a deleterious effect (30/36, Aigenetics), with a REVEL score of 0.902. (6) PP4: The patient's phenotype is highly specific.

NM_181458.4(PAX3):c.812G>C (p.Arg271Pro)

Gene: PAX3 (paired box 3; minus strand). Cytogenetic location: 2q36.1.
Variant type: single nucleotide variant.
Coding change: c.812G>C on transcript NM_181458.4 (MANE Select); coding-DNA position 812, G replaced by C.
Protein change: p.Arg271Pro; replaces arginine 271 with proline.
Molecular consequence: missense variant.
Genome position (GRCh38, 1-based): chr2:222,221,368, C>G on the plus strand (G>C on the coding strand, the complement: PAX3 is on the minus strand). VCF-style: chr2-222221368-C-G. GRCh37 (hg19) VCF-style: chr2-223086087-C-G.
Other names: c.809G>C, p.Arg270Pro (NM_001127366.3); c.812G>C, p.Arg271Pro (NM_181457.4, NM_181459.4, NM_181460.4 and 1 more transcripts); short protein forms R270P, R271P.
Identifiers: ClinVar variation 4819380 (VCV004819380.1).
Genomic context (GRCh38, chr2:222,221,368, plus strand): 5'-GGAATGAGATGGTTGAAAGCCATCAGTTGATTGGCCCCAGCTTGCTTCCTCCATCTTGCA[C>G]GGCGGTTGCTAAACCAGACCTATGGATTTAATTTAAAATTTAAGGATTTCACTGATGAAA-3'
Protein context (NP_852123.1, residues 261-281): ARVQVWFSNR[Arg271Pro]ARWRKQAGAN